The following is an entry in ClinVar:

ClinVar aggregate classification (germline): Uncertain significance. Review status: criteria provided, multiple submitters, no conflicts (2 of 4 stars). 2 submissions from 2 submitters: Uncertain significance (2). Last evaluated 2025-10-14.

Conditions:
STT3B-congenital disorder of glycosylation. Also called: Congenital disorder of glycosylation type 1x; STT3B-CDG; CDG Ix. Identifiers: Orphanet 370924, MedGen C2931007, MONDO:0014271, OMIM 615597.

Allele frequency attached by ClinVar (database versions not stated): TOPMed below 0.00001; gnomAD 0.00001.
gnomAD v4.1: 5 of 1,588,164 alleles (0.00031%); highest among the groups gnomAD compares: Non-Finnish European, 0.00034%; no homozygotes.

Submissions (2):

Ambry Genetics
Classification: Uncertain significance. Last evaluated: 2025-10-14. Review status: criteria provided, single submitter. Criteria: Ambry Variant Classification Scheme 2023. Collection method: clinical testing. Allele origin: germline.

Labcorp Genetics (formerly Invitae), Labcorp
Classification: Uncertain significance for STT3B-congenital disorder of glycosylation. Last evaluated: 2023-08-10. Review status: criteria provided, single submitter. Criteria: Invitae Variant Classification Sherloc (09022015). Collection method: clinical testing. Allele origin: germline.
Comment: In summary, the available evidence is currently insufficient to determine the role of this variant in disease. Therefore, it has been classified as a Variant of Uncertain Significance. An algorithm developed to predict the effect of missense changes on protein structure and function (PolyPhen-2) suggests that this variant is likely to be tolerated. ClinVar contains an entry for this variant (Variation ID: 2073887). This variant has not been reported in the literature in individuals affected with STT3B-related conditions. The frequency data for this variant in the population databases is considered unreliable, as metrics indicate poor data quality at this position in the gnomAD database. This sequence change replaces histidine, which is basic and polar, with arginine, which is basic and polar, at codon 11 of the STT3B protein (p.His11Arg).

NM_178862.3(STT3B):c.32A>G (p.His11Arg)

Genes: STT3B (STT3 oligosaccharyltransferase complex catalytic subunit B; plus strand), LOC129936407 (ATAC-STARR-seq lymphoblastoid silent region 14161; plus strand). Cytogenetic location: 3p23.
Variant type: single nucleotide variant.
Coding change: c.32A>G on transcript NM_178862.3 (MANE Select); coding-DNA position 32, A replaced by G.
Protein change: p.His11Arg; replaces histidine 11 with arginine.
Molecular consequence: missense variant.
Genome position (GRCh38, 1-based): chr3:31,533,030, A>G. VCF-style: chr3-31533030-A-G. GRCh37 (hg19) VCF-style: chr3-31574522-A-G.
Other names: c.32A>G (NM_178862.1); short protein forms H11R.
Identifiers: ClinVar variation 2073887 (VCV002073887.5), dbSNP rs777560756, ClinGen allele CA72669618.